The following is an entry in ClinVar:

NM_005333.5(HCCS):c.107C>T (p.Pro36Leu)

Gene: HCCS (holocytochrome c synthase; plus strand). Cytogenetic location: Xp22.2.
Variant type: single nucleotide variant.
Coding change: c.107C>T on transcript NM_005333.5 (MANE Select); coding-DNA position 107, C replaced by T.
Protein change: p.Pro36Leu; replaces proline 36 with leucine.
Molecular consequence: missense variant.
Genome position (GRCh38, 1-based): chrX:11,114,841, C>T. VCF-style: chrX-11114841-C-T. GRCh37 (hg19) VCF-style: chrX-11132961-C-T.
Other names: c.107C>T, p.Pro36Leu (NM_001122608.3, NM_001171991.3); c.107C>T (NM_005333.4); short protein forms P36L.
Identifiers: ClinVar variation 3714108 (VCV003714108.4).

ClinVar aggregate classification (germline): Conflicting classifications of pathogenicity. Review status: criteria provided, conflicting classifications (1 of 4 stars). 3 submissions from 3 submitters: Uncertain significance (2); Likely benign (1). Last evaluated 2025-10-30.

Conditions:
Inborn genetic diseases. Identifiers: MedGen C0950123, MeSH D030342.

gnomAD v4.1: 8 of 1,206,754 alleles (0.00066%); highest among the groups gnomAD compares: Admixed American, 0.011%; no homozygotes.

Submissions (3):

Ambry Genetics
Classification: Uncertain significance for Inborn genetic diseases. Last evaluated: 2025-10-30. Review status: criteria provided, single submitter. Criteria: Ambry Variant Classification Scheme 2023. Collection method: clinical testing. Allele origin: germline.

Labcorp Genetics (formerly Invitae), Labcorp
Classification: Likely benign. Last evaluated: 2025-08-18. Review status: criteria provided, single submitter. Criteria: Invitae Variant Classification Sherloc (09022015). Collection method: clinical testing. Allele origin: germline.

Women's Health and Genetics/Laboratory Corporation of America, LabCorp
Classification: Uncertain significance. Last evaluated: 2025-03-13. Review status: criteria provided, single submitter. Criteria: LabCorp Variant Classification Summary - May 2015. Collection method: clinical testing. Allele origin: germline.
Comment: Variant summary: HCCS c.107C>T (p.Pro36Leu) results in a non-conservative amino acid change in the encoded protein sequence. Five of five in-silico tools predict a damaging effect of the variant on protein function. The variant allele was found at a frequency of 1.1e-05 in 183245 control chromosomes. The available data on variant occurrences in the general population are insufficient to allow any conclusion about variant significance. To our knowledge, no occurrence of c.107C>T in individuals affected with Linear Skin Defects With Multiple Congenital Anomalies 1 and no experimental evidence demonstrating its impact on protein function have been reported. ClinVar contains an entry for this variant (Variation ID: 3714108). Based on the evidence outlined above, the variant was classified as uncertain significance.